The following is an entry in ClinVar:

NM_004380.3(CREBBP):c.3235C>T (p.Gln1079Ter)

Gene: CREBBP (CREB binding lysine acetyltransferase; minus strand). Cytogenetic location: 16p13.3.
Variant type: single nucleotide variant.
Coding change: c.3235C>T on transcript NM_004380.3 (MANE Select); coding-DNA position 3235, C replaced by T.
Protein change: p.Gln1079Ter; replaces glutamine 1079 with a stop codon.
Molecular consequence: nonsense.
Genome position (GRCh38, 1-based): chr16:3,767,735, G>A on the plus strand (C>T on the coding strand, the complement: CREBBP is on the minus strand). VCF-style: chr16-3767735-G-A. GRCh37 (hg19) VCF-style: chr16-3817736-G-A.
Other names: c.3121C>T, p.Gln1041Ter (NM_001079846.1); short protein forms Q1079*, Q1041*.
Identifiers: ClinVar variation 2098908 (VCV002098908.4), dbSNP rs2141181339, ClinGen allele CA394570412.

ClinVar aggregate classification (germline): Pathogenic (1 of 4 stars; one submission).

Conditions:
Rubinstein-Taybi syndrome (RSTS). Identifiers: Orphanet 783, MedGen C0035934, MONDO:0019188.

Submission:

Labcorp Genetics (formerly Invitae), Labcorp
Classification: Pathogenic for Rubinstein-Taybi syndrome. Last evaluated: 2025-04-30. Review status: criteria provided, single submitter. Criteria: Invitae Variant Classification Sherloc (09022015). Collection method: clinical testing. Allele origin: germline.
Comment: This sequence change creates a premature translational stop signal (p.Gln1079*) in the CREBBP gene. It is expected to result in an absent or disrupted protein product. Loss-of-function variants in CREBBP are known to be pathogenic (PMID: 17052327, 18792986). This variant is not present in population databases (gnomAD no frequency). This premature translational stop signal has been observed in individual(s) with clinical features of Rubinstein-Taybi syndrome (PMID: 25108505, 33747050). This variant is also known as c.3121C>T; p.Q1041*. ClinVar contains an entry for this variant (Variation ID: 2098908). For these reasons, this variant has been classified as Pathogenic.

Literature cited by the submitters: PubMed 17052327; PubMed 18792986; PubMed 25108505; PubMed 33747050.